The following is an entry in ClinVar:

ClinVar aggregate classification (germline): Conflicting classifications of pathogenicity. Review status: criteria provided, conflicting classifications (1 of 4 stars). 3 submissions from 3 submitters: Uncertain significance (1); Likely benign (1). 1 of the submissions does not count toward it. Last evaluated 2025-03-13.

Conditions:
ACADS-related disorder. Also called: ACADS-related condition.
Deficiency of butyryl-CoA dehydrogenase (ACADSD). Also called: SCAD DEFICIENCY, MILD; ACADS DEFICIENCY; Short-Chain Acyl-CoA Dehydrogenase Deficiency; ACYL-CoA DEHYDROGENASE, SHORT-CHAIN, DEFICIENCY OF; SCADH DEFICIENCY; SCAD Deficiency. Identifiers: Orphanet 26792, MedGen C0342783, MONDO:0008722, OMIM 201470. Disease mechanism: May be benign.

Allele frequency attached by ClinVar (database versions not stated): gnomAD 0.00001 and 0.00005; TOPMed 0.00003; ExAC 0.00012; gnomAD exomes 0.00014.
gnomAD v4.1: 124 of 1,612,640 alleles (0.0077%); highest among the groups gnomAD compares: South Asian, 0.099%; 1 homozygote.

Submissions (3):

Labcorp Genetics (formerly Invitae), Labcorp
Classification: Likely benign for Deficiency of butyryl-CoA dehydrogenase. Last evaluated: 2025-03-13. Review status: criteria provided, single submitter. Criteria: Invitae Variant Classification Sherloc (09022015). Collection method: clinical testing. Allele origin: germline.

Illumina Laboratory Services, Illumina
Classification: Uncertain significance for Deficiency of butyryl-CoA dehydrogenase. Last evaluated: 2018-01-12. Review status: criteria provided, single submitter. Criteria: ICSL Variant Classification Criteria 13 December 2019. Collection method: clinical testing. Allele origin: germline.

PreventionGenetics, part of Exact Sciences
Classification: Likely benign for ACADS-related condition. Last evaluated: 2019-02-28. Review status: no assertion criteria provided. Collection method: clinical testing. Allele origin: germline. Not counted in ClinVar's aggregate classification.
Comment: This variant is classified as likely benign based on ACMG/AMP sequence variant interpretation guidelines (Richards et al. 2015 PMID: 25741868, with internal and published modifications).

NM_000017.4(ACADS):c.906G>A (p.Ala302=)

Gene: ACADS (acyl-CoA dehydrogenase short chain; plus strand). Cytogenetic location: 12q24.31.
Variant type: single nucleotide variant.
Coding change: c.906G>A on transcript NM_000017.4 (MANE Select); coding-DNA position 906, G replaced by A.
Protein change: p.Ala302=; no amino-acid change (alanine 302 retained).
Molecular consequence: synonymous variant.
Genome position (GRCh38, 1-based): chr12:120,738,643, G>A. VCF-style: chr12-120738643-G-A. GRCh37 (hg19) VCF-style: chr12-121176446-G-A.
Other names: c.894G>A, p.Ala298= (NM_001302554.2); c.906G>A (NM_000017.3).
Identifiers: ClinVar variation 882156 (VCV000882156.7), dbSNP rs763162492, ClinGen allele CA6831112.